The following is an entry in ClinVar:

ClinVar aggregate classification (germline): Conflicting classifications of pathogenicity. Review status: criteria provided, conflicting classifications (1 of 4 stars). 3 submissions from 3 submitters: Uncertain significance (2); Likely benign (1). Last evaluated 2024-11-15.

Conditions:
Hereditary cancer-predisposing syndrome. Also called: Hereditary neoplastic syndrome; Hereditary Cancer Syndrome; Tumor predisposition; Neoplastic Syndromes, Hereditary. Identifiers: Orphanet 140162, MedGen C0027672, MeSH D009386, MONDO:0015356.
Hereditary breast ovarian cancer syndrome. Also called: Hereditary breast and ovarian cancer syndrome; Hereditary breast and/or ovarian cancer syndrome; BRCA1- and BRCA2-Associated Hereditary Breast and Ovarian Cancer; Hereditary breast and ovarian cancer syndrome (HBOC); Breast and ovarian cancer; Hereditary breast and ovarian cancer. Identifiers: Orphanet 145, MedGen C0677776, MeSH D061325, MONDO:0003582. Disease mechanism: loss of function.

Allele frequency attached by ClinVar (database versions not stated): gnomAD exomes below 0.00001.
gnomAD v4.1: 1 of 1,614,024 alleles (0.000062%); highest among the groups gnomAD compares: African/African-American, 0.0013%; no homozygotes.

Submissions (3):

Labcorp Genetics (formerly Invitae), Labcorp
Classification: Uncertain significance for Hereditary breast ovarian cancer syndrome. Last evaluated: 2024-11-15. Review status: criteria provided, single submitter. Criteria: Invitae Variant Classification Sherloc (09022015). Collection method: clinical testing. Allele origin: germline.
Comment: This sequence change replaces glycine, which is neutral and non-polar, with serine, which is neutral and polar, at codon 1194 of the BRCA2 protein (p.Gly1194Ser). This variant is not present in population databases (gnomAD no frequency). This variant has not been reported in the literature in individuals affected with BRCA2-related conditions. ClinVar contains an entry for this variant (Variation ID: 1519852). Invitae Evidence Modeling of protein sequence and biophysical properties (such as structural, functional, and spatial information, amino acid conservation, physicochemical variation, residue mobility, and thermodynamic stability) indicates that this missense variant is not expected to disrupt BRCA2 protein function with a negative predictive value of 95%. In summary, the available evidence is currently insufficient to determine the role of this variant in disease. Therefore, it has been classified as a Variant of Uncertain Significance.

Ambry Genetics
Classification: Uncertain significance for Hereditary cancer-predisposing syndrome. Last evaluated: 2024-03-13. Review status: criteria provided, single submitter. Criteria: Ambry Variant Classification Scheme 2023. Collection method: clinical testing. Allele origin: germline.
Comment: The p.G1194S variant (also known as c.3580G>A), located in coding exon 10 of the BRCA2 gene, results from a G to A substitution at nucleotide position 3580. The glycine at codon 1194 is replaced by serine, an amino acid with similar properties. This amino acid position is poorly conserved in available vertebrate species. In addition, this alteration is predicted to be tolerated by in silico analysis. Since supporting evidence is limited at this time, the clinical significance of this alteration remains unclear.

University of Washington Department of Laboratory Medicine, University of Washington
Classification: Likely benign for Hereditary cancer-predisposing syndrome. Last evaluated: 2023-03-23. Review status: criteria provided, single submitter. Criteria: Dines et al. (Genet Med. 2020). Collection method: curation. Allele origin: germline.
Comment: Missense variant in a coldspot region where missense variants are very unlikely to be pathogenic (PMID:31911673).

BRCA2 exon 11 coldspot. Reclassification based on statistical prior probability.

NM_000059.4(BRCA2):c.3580G>A (p.Gly1194Ser)

Gene: BRCA2 (BRCA2 DNA repair associated; plus strand). Cytogenetic location: 13q13.1.
Variant type: single nucleotide variant.
Coding change: c.3580G>A on transcript NM_000059.4 (MANE Select); coding-DNA position 3580, G replaced by A.
Protein change: p.Gly1194Ser; replaces glycine 1194 with serine.
Molecular consequence: missense variant.
Genome position (GRCh38, 1-based): chr13:32,337,935, G>A. VCF-style: chr13-32337935-G-A. GRCh37 (hg19) VCF-style: chr13-32912072-G-A.
Other names: short protein forms G1194S.
Identifiers: ClinVar variation 1519852 (VCV001519852.11), dbSNP rs2137498023, ClinGen allele CA387777383.